The following is an entry in ClinVar:

NM_022455.5(NSD1):c.5721A>T (p.Ile1907=)

Gene: NSD1 (nuclear receptor binding SET domain protein 1; plus strand). Cytogenetic location: 5q35.3.
Variant type: single nucleotide variant.
Coding change: c.5721A>T on transcript NM_022455.5 (MANE Select); coding-DNA position 5721, A replaced by T.
Protein change: p.Ile1907=; no amino-acid change (isoleucine 1907 retained).
Molecular consequence: synonymous variant.
Genome position (GRCh38, 1-based): chr5:177,280,663, A>T. VCF-style: chr5-177280663-A-T. GRCh37 (hg19) VCF-style: chr5-176707664-A-T.
Other names: c.4848A>T, p.Ile1616= (NM_001409308.1, NM_001409309.1, NM_172349.5 and 1 more transcripts); c.5721A>T, p.Ile1907= (NM_001409301.1, NM_001409302.1, NM_001409303.1); c.5301A>T, p.Ile1767= (NM_001409304.1); c.4968A>T, p.Ile1656= (NM_001409305.1); c.4959A>T, p.Ile1653= (NM_001409306.1, NM_001409307.1).
Identifiers: ClinVar variation 4687230 (VCV004687230.1).

ClinVar aggregate classification (germline): Likely benign (1 of 4 stars; one submission).

gnomAD v4.1: 6 of 1,614,228 alleles (0.00037%); highest among the groups gnomAD compares: Non-Finnish European, 0.00051%; no homozygotes.

Submission:

Women's Health and Genetics/Laboratory Corporation of America, LabCorp
Classification: Likely benign. Last evaluated: 2025-10-17. Review status: criteria provided, single submitter. Criteria: LabCorp Variant Classification Summary - May 2015. Collection method: clinical testing. Allele origin: germline.
Comment: Variant summary: NSD1 c.5721A>T alters a conserved nucleotide resulting in a synonymous change. Consensus agreement among computation tools predict no significant impact on normal splicing. However, these predictions have yet to be confirmed by functional studies. The variant was absent in 251426 control chromosomes. The available data on variant occurrences in the general population are insufficient to allow any conclusion about variant significance. To our knowledge, no occurrence of c.5721A>T in individuals affected with NSD1-related conditions and no experimental evidence demonstrating its impact on protein function have been reported. No submitters have cited clinical-significance assessments for this variant to ClinVar. Based on the evidence outlined above, the variant was classified as likely benign.